The following is an entry in ClinVar:

NM_018972.4(GDAP1):c.580-279G>C

Gene: GDAP1 (ganglioside induced differentiation associated protein 1; plus strand). Cytogenetic location: 8q21.11.
Variant type: single nucleotide variant.
Coding change: c.580-279G>C on transcript NM_018972.4 (MANE Select); 279 bases into the intron before coding-DNA position 580, G replaced by C.
Molecular consequence: intron variant.
Genome position (GRCh38, 1-based): chr8:74,362,660, G>C. VCF-style: chr8-74362660-G-C. GRCh37 (hg19) VCF-style: chr8-75274895-G-C.
Other names: c.580-279G>C (NM_001362931.2); c.406-279G>C (NM_001362930.2); c.253-279G>C (NM_001362929.2, NM_001362932.2); c.376-279G>C (NM_001040875.4).
Identifiers: ClinVar variation 672981 (VCV000672981.1), dbSNP rs17342145, ClinGen allele CA12895571.

ClinVar aggregate classification (germline): Likely benign (1 of 4 stars; one submission).

Allele frequency attached by ClinVar (database versions not stated): TOPMed 0.00643; gnomAD 0.00746; 1000 Genomes Project 30x 0.01280; 1000 Genomes Project 0.01338.
gnomAD v4.1: 1,256 of 152,092 alleles (0.83%); highest among the groups gnomAD compares: South Asian, 4%; 18 homozygotes.

Submission:

GeneDx
Classification: Likely benign. Last evaluated: 2018-06-14. Review status: criteria provided, single submitter. Criteria: GeneDx Variant Classification (06012015). Collection method: clinical testing. Allele origin: germline. Affected: yes.
Comment: This variant is considered likely benign or benign based on one or more of the following criteria: it is a conservative change, it occurs at a poorly conserved position in the protein, it is predicted to be benign by multiple in silico algorithms, and/or has population frequency not consistent with disease.